The following is an entry in ClinVar:

ClinVar aggregate classification (germline): Uncertain significance (1 of 4 stars; one submission).

Conditions:
Long QT syndrome 8. Identifiers: MedGen CN260585, MONDO:0032756, OMIM 618447.

Submission:

Victorian Clinical Genetics Services, Murdoch Childrens Research Institute
Classification: Uncertain significance for Long QT syndrome 8. Last evaluated: 2022-02-02. Review status: criteria provided, single submitter. Criteria: ACMG Guidelines, 2015. Collection method: clinical testing. Allele origin: germline. Inheritance: Autosomal dominant inheritance. Affected: yes.
Comment: Based on the classification scheme VCGS_Germline_v1.3.4, this variant is classified as VUS-3B. Following criteria are met: 0101 - Gain of function is a known mechanism of disease in this gene and is associated with Long QT syndrome 8 (MIM #618447), and Timothy syndrome (MIM#601005). Missense variants result in loss of channel inactivation, and increased current (OMIM, PMID: 25260352). (I) 0107 - This gene is associated with autosomal dominant disease. (I) 0200 - Variant is predicted to result in a missense amino acid change from glutamic acid to lysine. (I) 0251 - This variant is heterozygous. (I) 0301 - Variant is absent from gnomAD (both v2 and v3). (SP) 0501 - Missense variant consistently predicted to be damaging by multiple in silico tools or highly conserved with a major amino acid change. (SP) 0600 - Variant is located in the annotated cytoplasmic region (UniProt). (I) 0705 - No comparable missense variants have previous evidence for pathogenicity. (I) 0807 - This variant has no previous evidence of pathogenicity. (I) 0905 - No published segregation evidence has been identified for this variant. (I) 1007 - No published functional evidence has been identified for this variant. (I) 1208 - Inheritance information for this variant is not currently available in this individual. (I) Legend: (SP) - Supporting pathogenic, (I) - Information, (SB) - Supporting benign

Literature cited by the submitters: PubMed 25260352.

NM_000719.7(CACNA1C):c.1237G>A (p.Glu413Lys)

Gene: CACNA1C (calcium voltage-gated channel subunit alpha1 C; plus strand). Cytogenetic location: 12p13.33.
Variant type: single nucleotide variant.
Coding change: c.1237G>A on transcript NM_000719.7 (MANE Select); coding-DNA position 1237, G replaced by A.
Protein change: p.Glu413Lys; replaces glutamic acid 413 with lysine.
Molecular consequence: missense variant.
Genome position (GRCh38, 1-based): chr12:2,512,831, G>A. VCF-style: chr12-2512831-G-A. GRCh37 (hg19) VCF-style: chr12-2621997-G-A.
Other names: c.1237G>A, p.Glu413Lys (NM_001129829.2, NM_001129830.3, NM_001129831.2 and 18 more transcripts); c.1228G>A, p.Glu410Lys (NM_001129844.2); short protein forms E410K, E413K.
Identifiers: ClinVar variation 1805075 (VCV001805075.1), dbSNP rs1555700394, ClinGen allele CA383366932.